The following is an entry in ClinVar:

ClinVar aggregate classification (germline): Uncertain significance (1 of 4 stars; one submission).

Allele frequency attached by ClinVar (database versions not stated): gnomAD exomes 0.00001; ExAC 0.00002.
gnomAD v4.1: 12 of 1,614,202 alleles (0.00074%); highest among the groups gnomAD compares: South Asian, 0.013%; no homozygotes.

Submission:

Labcorp Genetics (formerly Invitae), Labcorp
Classification: Uncertain significance. Last evaluated: 2021-01-14. Review status: criteria provided, single submitter. Criteria: Invitae Variant Classification Sherloc (09022015). Collection method: clinical testing. Allele origin: germline.
Comment: This variant has not been reported in the literature in individuals with TOPORS-related conditions. Experimental studies and prediction algorithms are not available or were not evaluated, and the functional significance of this variant is currently unknown. In summary, the available evidence is currently insufficient to determine the role of this variant in disease. Therefore, it has been classified as a Variant of Uncertain Significance. This variant is present in population databases (rs779753179, ExAC 0.01%). This sequence change replaces serine with cysteine at codon 1017 of the TOPORS protein (p.Ser1017Cys). The serine residue is weakly conserved and there is a moderate physicochemical difference between serine and cysteine.

NM_005802.5(TOPORS):c.3050C>G (p.Ser1017Cys)

Gene: TOPORS (TOP1 binding arginine/serine rich protein, E3 ubiquitin ligase; minus strand). Cytogenetic location: 9p21.1.
Variant type: single nucleotide variant.
Coding change: c.3050C>G on transcript NM_005802.5 (MANE Select); coding-DNA position 3050, C replaced by G.
Protein change: p.Ser1017Cys; replaces serine 1017 with cysteine.
Molecular consequence: missense variant.
Genome position (GRCh38, 1-based): chr9:32,541,475, G>C on the plus strand (C>G on the coding strand, the complement: TOPORS is on the minus strand). VCF-style: chr9-32541475-G-C. GRCh37 (hg19) VCF-style: chr9-32541473-G-C.
Other names: c.2855C>G, p.Ser952Cys (NM_001195622.2); short protein forms S1017C, S952C.
Identifiers: ClinVar variation 839772 (VCV000839772.10), dbSNP rs779753179, ClinGen allele CA5020275.